The following is an entry in ClinVar:

ClinVar aggregate classification (germline): Uncertain significance. Review status: criteria provided, multiple submitters, no conflicts (2 of 4 stars). 2 submissions from 2 submitters: Uncertain significance (2). Last evaluated 2023-07-16.

Conditions:
Noonan syndrome 9 (NS9). Identifiers: Orphanet 648, MedGen C4225282, MONDO:0014691, OMIM 616559.

Submissions (2):

Labcorp Genetics (formerly Invitae), Labcorp
Classification: Uncertain significance for Noonan syndrome 9. Last evaluated: 2023-07-16. Review status: criteria provided, single submitter. Criteria: Invitae Variant Classification Sherloc (09022015). Collection method: clinical testing. Allele origin: germline.
Comment: This sequence change replaces lysine, which is basic and polar, with arginine, which is basic and polar, at codon 115 of the SOS2 protein (p.Lys115Arg). In summary, the available evidence is currently insufficient to determine the role of this variant in disease. Therefore, it has been classified as a Variant of Uncertain Significance. Algorithms developed to predict the effect of sequence changes on RNA splicing suggest that this variant may disrupt the consensus splice site. An algorithm developed to predict the effect of missense changes on protein structure and function (PolyPhen-2) suggests that this variant is likely to be tolerated. This variant has not been reported in the literature in individuals affected with SOS2-related conditions. This variant is not present in population databases (gnomAD no frequency).

Blueprint Genetics
Classification: Uncertain significance. Last evaluated: 2022-02-01. Review status: criteria provided, single submitter. Criteria: ACMG Guidelines, 2015. Collection method: clinical testing. Allele origin: germline.

NM_006939.4(SOS2):c.344A>G (p.Lys115Arg)

Gene: SOS2 (SOS Ras/Rho guanine nucleotide exchange factor 2; minus strand). Cytogenetic location: 14q21.3.
Variant type: single nucleotide variant.
Coding change: c.344A>G on transcript NM_006939.4 (MANE Select); coding-DNA position 344, A replaced by G.
Protein change: p.Lys115Arg; replaces lysine 115 with arginine.
Molecular consequence: missense variant.
Genome position (GRCh38, 1-based): chr14:50,200,954, T>C on the plus strand (A>G on the coding strand, the complement: SOS2 is on the minus strand). VCF-style: chr14-50200954-T-C. GRCh37 (hg19) VCF-style: chr14-50667672-T-C.
Other names: c.344A>G, p.Lys115Arg (NM_001411020.1); short protein forms K115R.
Identifiers: ClinVar variation 2886924 (VCV002886924.4), dbSNP rs2503192928, ClinGen allele CA389649821.
Genomic context (GRCh38, chr14:50,200,954, plus strand): 5'-AAATAAAATATTACTTGTTATAAAGAACACCCCCCAACTAATGTTTAATCTTTTGTTACC[T>C]TCAACGAAGGATGGATTTTGTCCACAGGCAGTAAAAGAGGATTTCTTCGTTTTCGTTTTT-3'
Protein context (NP_008870.2, residues 105-125): LPVDKIHPSL[Lys115Arg]EVLGYKVDYH